The following is an entry in ClinVar:

ClinVar aggregate classification (germline): Uncertain significance. Review status: criteria provided, multiple submitters, no conflicts (2 of 4 stars). 5 submissions from 5 submitters: Uncertain significance (4). 1 of the submissions does not count toward it. Last evaluated 2024-06-27.

Conditions:
Inborn genetic diseases. Identifiers: MedGen C0950123, MeSH D030342.
Retinitis pigmentosa 26 (RP26). Identifiers: Orphanet 791, MedGen C1842127, MONDO:0012024, OMIM 608380.

Allele frequency attached by ClinVar (database versions not stated): ESP Exome Variant Server 0.00008; gnomAD 0.00008 and 0.00009; gnomAD exomes 0.00008; ExAC 0.00010; TOPMed 0.00014.
gnomAD v4.1: 468 of 1,598,104 alleles (0.029%); highest among the groups gnomAD compares: Non-Finnish European, 0.038%; no homozygotes.

Submissions (5):

Blueprint Genetics
Classification: Uncertain significance. Last evaluated: 2024-06-27. Review status: criteria provided, single submitter. Criteria: ACMG Guidelines, 2015. Collection method: clinical testing. Allele origin: germline.

Labcorp Genetics (formerly Invitae), Labcorp
Classification: Uncertain significance. Last evaluated: 2022-08-13. Review status: criteria provided, single submitter. Criteria: Invitae Variant Classification Sherloc (09022015). Collection method: clinical testing. Allele origin: germline.
Comment: This sequence change replaces serine, which is neutral and polar, with asparagine, which is neutral and polar, at codon 64 of the CERKL protein (p.Ser64Asn). This variant is present in population databases (rs61760902, gnomAD 0.02%). This variant has not been reported in the literature in individuals affected with CERKL-related conditions. ClinVar contains an entry for this variant (Variation ID: 286966). Algorithms developed to predict the effect of missense changes on protein structure and function (SIFT, PolyPhen-2, Align-GVGD) all suggest that this variant is likely to be tolerated. In summary, the available evidence is currently insufficient to determine the role of this variant in disease. Therefore, it has been classified as a Variant of Uncertain Significance.

Ambry Genetics
Classification: Uncertain significance for Inborn genetic diseases. Last evaluated: 2022-08-03. Review status: criteria provided, single submitter. Criteria: Ambry Variant Classification Scheme 2023. Collection method: clinical testing. Allele origin: germline.

Eurofins Ntd Llc (ga)
Classification: Uncertain significance. Last evaluated: 2016-04-05. Review status: criteria provided, single submitter. Criteria: EGL Classification Definitions 2015. Collection method: clinical testing. Allele origin: germline. Observed: 1 variant allele, 1 heterozygote.

Natera, Inc.
Classification: Uncertain significance for Retinitis Pigmentosa 26. Last evaluated: 2019-10-28. Review status: no assertion criteria provided. Collection method: clinical testing. Allele origin: germline. Not counted in ClinVar's aggregate classification.

NM_201548.5(CERKL):c.191G>A (p.Ser64Asn)

Genes: CERKL (CERK like autophagy regulator; minus strand), LOC129935214 (ATAC-STARR-seq lymphoblastoid silent region 12157; plus strand). Cytogenetic location: 2q31.3.
Variant type: single nucleotide variant.
Coding change: c.191G>A on transcript NM_201548.5 (MANE Select); coding-DNA position 191, G replaced by A.
Protein change: p.Ser64Asn; replaces serine 64 with asparagine.
Molecular consequence: missense variant. On other transcripts: non-coding transcript variant (2).
Genome position (GRCh38, 1-based): chr2:181,656,816, C>T on the plus strand (G>A on the coding strand, the complement: CERKL is on the minus strand). VCF-style: chr2-181656816-C-T. GRCh37 (hg19) VCF-style: chr2-182521543-C-T.
Other names: c.191G>A, p.Ser64Asn (NM_001030311.3, NM_001030312.3, NM_001030313.3 and 1 more transcripts); short protein forms S64N.
Identifiers: ClinVar variation 286966 (VCV000286966.11), dbSNP rs61760902, ClinGen allele CA2010929.